The following is an entry in ClinVar:

NC_000017.11:g.(?_43095826)_(43106553_?)del

Gene: BRCA1 (BRCA1 DNA repair associated; minus strand). Cytogenetic location: 17q21.31.
Variant type: Deletion.
Identifiers: ClinVar variation 831801 (VCV000831801.1).

ClinVar aggregate classification (germline): Pathogenic (1 of 4 stars; one submission).

Conditions:
Hereditary breast ovarian cancer syndrome. Also called: Hereditary breast and/or ovarian cancer syndrome; Hereditary breast and ovarian cancer syndrome (HBOC); Breast and ovarian cancer; Hereditary breast and ovarian cancer; BRCA1- and BRCA2-Associated Hereditary Breast and Ovarian Cancer; Hereditary breast and ovarian cancer syndrome. Identifiers: Orphanet 145, MedGen C0677776, MeSH D061325, MONDO:0003582. Disease mechanism: loss of function.

Submission:

Labcorp Genetics (formerly Invitae), Labcorp
Classification: Pathogenic for Hereditary breast and ovarian cancer syndrome. Last evaluated: 2019-08-21. Review status: criteria provided, single submitter. Criteria: Invitae Variant Classification Sherloc (09022015). Collection method: clinical testing. Allele origin: germline.
Comment: This variant is an out-of-frame deletion of the genomic region encompassing exons 4-9 of the BRCA1 gene. This is expected to create a premature translational stop signal and result in an absent or disrupted protein product. This variant has been reported in an individual affected with breast and/or ovarian cancer (PMID: 18783588). This variant is also known as deletion of exons 5-10 in the literature, due to alternative exon nomenclature. ClinVar contains an entry for this variant (Variation ID: 267506) Loss-of-function variants in BRCA1 are known to be pathogenic (PMID: 20104584). For these reasons, this variant has been classified as Pathogenic.

Literature cited by the submitters: PubMed 18783588.